The following is an entry in ClinVar:

ClinVar aggregate classification (germline): Uncertain significance (1 of 4 stars; one submission).

Submission:

Ambry Genetics
Classification: Uncertain significance. Last evaluated: 2023-12-15. Review status: criteria provided, single submitter. Criteria: Ambry Variant Classification Scheme 2023. Collection method: clinical testing. Allele origin: germline.
Comment: The p.M1121I variant (also known as c.3363G>A), located in coding exon 2 of the MLH3 gene, results from a G to A substitution at nucleotide position 3363. The methionine at codon 1121 is replaced by isoleucine, an amino acid with highly similar properties. This amino acid position is conserved. In addition, this alteration is predicted to be tolerated by in silico analysis. Since supporting evidence is limited at this time, the clinical significance of this alteration remains unclear.

NM_001040108.2(MLH3):c.3363G>A (p.Met1121Ile)

Gene: MLH3 (mutL homolog 3; minus strand). Cytogenetic location: 14q24.3.
Variant type: single nucleotide variant.
Coding change: c.3363G>A on transcript NM_001040108.2 (MANE Select); coding-DNA position 3363, G replaced by A.
Protein change: p.Met1121Ile; replaces methionine 1121 with isoleucine.
Molecular consequence: missense variant.
Genome position (GRCh38, 1-based): chr14:75,042,395, C>T on the plus strand (G>A on the coding strand, the complement: MLH3 is on the minus strand). VCF-style: chr14-75042395-C-T. GRCh37 (hg19) VCF-style: chr14-75509098-C-T.
Other names: c.3363G>A, p.Met1121Ile (NM_014381.3); short protein forms M1121I.
Identifiers: ClinVar variation 3232538 (VCV003232538.1), dbSNP rs2503219733, ClinGen allele CA390431748.